The following is an entry in ClinVar:

NM_014795.4(ZEB2):c.2955T>A (p.Cys985Ter)

Gene: ZEB2 (zinc finger E-box binding homeobox 2; minus strand). Cytogenetic location: 2q22.3.
Variant type: single nucleotide variant.
Coding change: c.2955T>A on transcript NM_014795.4 (MANE Select); coding-DNA position 2955, T replaced by A.
Protein change: p.Cys985Ter; replaces cysteine 985 with a stop codon.
Molecular consequence: nonsense.
Genome position (GRCh38, 1-based): chr2:144,396,524, A>T on the plus strand (T>A on the coding strand, the complement: ZEB2 is on the minus strand). VCF-style: chr2-144396524-A-T. GRCh37 (hg19) VCF-style: chr2-145154091-A-T.
Other names: c.2883T>A, p.Cys961Ter (NM_001171653.2); short protein forms C961*, C985*.
Identifiers: ClinVar variation 4852160 (VCV004852160.1).
Genomic context (GRCh38, chr2:144,396,524, plus strand): 5'-GTCACATAAGTCACATGCATACATGCCACTCTCTGTCTTCTTGATCTTTTTGCGAGACAG[A>T]CAGGAGTCGGAGTCTGTCATATCATCTAGGCCTGACATGTAGTCTTGTGCTCCATCAAGC-3'

ClinVar aggregate classification (germline): Pathogenic (1 of 4 stars; one submission).

Conditions:
Mowat-Wilson syndrome (MOWS). Also called: Classic Mowat-Wilson Syndrome. Identifiers: Orphanet 2152, MedGen C1856113, MONDO:0009341, OMIM 235730.

Submission:

Variantyx, Inc.
Classification: Pathogenic for Mowat-Wilson syndrome. Last evaluated: 2025-09-21. Review status: criteria provided, single submitter. Criteria: Variantyx Assertion Criteria 2022. Collection method: clinical testing. Allele origin: de novo. Inheritance: Autosomal dominant inheritance. Affected: yes.
Comment: This is a nonsense variant in the ZEB2 gene (OMIM: 605802). Pathogenic variants in this gene have been associated with autosomal dominant Mowat-Wilson syndrome. This variant introduces a premature termination codon in exon 9 out of 10 and is expected to result in loss of function, which is a known disease mechanism for ZEB2 in this disorder (PMID: 16053902, 17203459) (PVS1). This variant is absent from control populations (PM2) and it has not been reported in individuals with ZEB2-related disorders in the databases available for review. Based on the current evidence, this variant is classified as pathogenic for autosomal dominant Mowat-Wilson syndrome.

Literature cited by the submitters: PubMed 16053902; PubMed 17203459.